The following is an entry in ClinVar:

ClinVar aggregate classification (germline): Uncertain significance (1 of 4 stars; one submission).

Conditions:
Familial thoracic aortic aneurysm and aortic dissection (TAAD). Also called: Thoracic aortic aneurysms and dissections. Identifiers: Orphanet 91387, MedGen C4707243, MONDO:0019625.

Allele frequency attached by ClinVar (database versions not stated): gnomAD exomes below 0.00001.
gnomAD v4.1: 1 of 1,612,798 alleles (0.000062%); highest among the groups gnomAD compares: South Asian, 0.0011%; no homozygotes.

Submission:

Color Diagnostics, LLC DBA Color Health
Classification: Uncertain significance for Familial thoracic aortic aneurysm and aortic dissection. Last evaluated: 2023-12-05. Review status: criteria provided, single submitter. Criteria: ACMG Guidelines, 2015. Collection method: clinical testing. Allele origin: germline.
Comment: This missense variant replaces lysine with arginine at codon 1586 of the FBN1 protein. Computational prediction tools and conservation analyses are inconclusive regarding the impact of this variant on protein function. Computational splicing tools suggest that this variant may not impact RNA splicing. To our knowledge, functional assays have not been performed for this variant nor has this variant been reported in individuals affected with cardiovascular disorders in the literature. This variant has not been identified in the general population by the Genome Aggregation Database (gnomAD). Available evidence is insufficient to determine the role of this variant in disease conclusively. Therefore, this variant is classified as a Variant of Uncertain Significance.

NM_000138.5(FBN1):c.4757A>G (p.Lys1586Arg)

Gene: FBN1 (fibrillin 1; minus strand). Cytogenetic location: 15q21.1.
Variant type: single nucleotide variant.
Coding change: c.4757A>G on transcript NM_000138.5 (MANE Select); coding-DNA position 4757, A replaced by G.
Protein change: p.Lys1586Arg; replaces lysine 1586 with arginine.
Molecular consequence: missense variant.
Genome position (GRCh38, 1-based): chr15:48,465,849, T>C on the plus strand (A>G on the coding strand, the complement: FBN1 is on the minus strand). VCF-style: chr15-48465849-T-C. GRCh37 (hg19) VCF-style: chr15-48758046-T-C.
Other names: short protein forms K1586R.
Identifiers: ClinVar variation 925980 (VCV000925980.5), dbSNP rs2043316400, ClinGen allele CA392351842.